The following is an entry in ClinVar:

ClinVar aggregate classification (germline): Uncertain significance (1 of 4 stars; one submission).

Submission:

Dasa
Classification: Uncertain significance. Last evaluated: 2025-07-31. Review status: criteria provided, single submitter. Criteria: DASA Assertion Criteria. Collection method: clinical testing. Allele origin: germline.
Comment: NM_001282531.3(ADNP):c.2941G>A (p.Val981Met) is a missense variant that results in the substitution of valine with methionine. This variant is absent from population databases. Computational prediction algorithms are consistent with a benign effect. The currently available literature and clinical evidence are not sufficient to establish a definitive association between this variant and the reported condition. Therefore, this variant is classified as a variant of uncertain significance.

NM_001282531.3(ADNP):c.2941G>A (p.Val981Met)

Gene: ADNP (activity dependent neuroprotector homeobox; minus strand). Cytogenetic location: 20q13.13.
Variant type: single nucleotide variant.
Coding change: c.2941G>A on transcript NM_001282531.3 (MANE Select); coding-DNA position 2941, G replaced by A.
Protein change: p.Val981Met; replaces valine 981 with methionine.
Molecular consequence: missense variant.
Genome position (GRCh38, 1-based): chr20:50,891,773, C>T on the plus strand (G>A on the coding strand, the complement: ADNP is on the minus strand). VCF-style: chr20-50891773-C-T. GRCh37 (hg19) VCF-style: chr20-49508310-C-T.
Other names: c.2941G>A, p.Val981Met (NM_001282532.2, NM_001347511.2, NM_015339.5 and 1 more transcripts); c.3157G>A, p.Val1053Met (NM_001439000.1); c.2257G>A, p.Val753Met (NM_001439001.1); short protein forms V1053M, V753M, V981M.
Identifiers: ClinVar variation 4886182 (VCV004886182.2).